The following is an entry in ClinVar:

ClinVar aggregate classification (germline): Uncertain significance (1 of 4 stars; one submission).

Submission:

Dasa
Classification: Uncertain significance. Last evaluated: 2024-11-18. Review status: criteria provided, single submitter. Criteria: DASA Assertion Criteria. Collection method: clinical testing. Allele origin: germline.
Comment: NM_001042492.3(NF1):c.4246C>T (p.Pro1416Ser) is a missense variant that results in the substitution of proline with serine. This variant is absent from population databases. Computational prediction algorithms are consistent with a deleterious effect. The currently available literature and clinical evidence are not sufficient to establish a definitive association between this variant and the reported condition. Therefore, this variant is classified as a variant of uncertain significance.

NM_001042492.3(NF1):c.4246C>T (p.Pro1416Ser)

Gene: NF1 (neurofibromin 1; plus strand). Cytogenetic location: 17q11.2.
Variant type: single nucleotide variant.
Coding change: c.4246C>T on transcript NM_001042492.3 (MANE Select); coding-DNA position 4246, C replaced by T.
Protein change: p.Pro1416Ser; replaces proline 1416 with serine.
Molecular consequence: missense variant.
Genome position (GRCh38, 1-based): chr17:31,258,416, C>T. VCF-style: chr17-31258416-C-T. GRCh37 (hg19) VCF-style: chr17-29585434-C-T.
Other names: c.4183C>T, p.Pro1395Ser (NM_000267.4); short protein forms P1395S, P1416S.
Identifiers: ClinVar variation 4883394 (VCV004883394.2).
Genomic context (GRCh38, chr17:31,258,416, plus strand): 5'-CGTTTCCCTCAGAACAGCATCGGTGCAGTAGGAAGTGCCATGTTCCTCAGATTTATCAAT[C>T]CTGCCATTGTCTCACCGTATGAAGCAGGGATTTTAGATAAAAAGCCACCACCTAGAATCG-3'
Protein context (NP_001035957.1, residues 1406-1426): GSAMFLRFIN[Pro1416Ser]AIVSPYEAGI